The following is an entry in ClinVar:

ClinVar aggregate classification (germline): Benign/Likely benign. Review status: criteria provided, multiple submitters, no conflicts (2 of 4 stars). 5 submissions from 5 submitters: Benign (1); Likely benign (3). 1 of the submissions does not count toward it. Last evaluated 2026-01-27.

Conditions:
SMARCAL1-related disorder. Also called: SMARCAL1-related condition.
Schimke immuno-osseous dysplasia (SIOD). Also called: Schimke Immunoosseous Dysplasia. Identifiers: Orphanet 1830, MedGen C0877024, MONDO:0009458, OMIM 242900.

Allele frequency attached by ClinVar (database versions not stated): gnomAD exomes 0.00061; ExAC 0.00075; gnomAD 0.00234 and 0.00259; 1000 Genomes Project 0.00260; 1000 Genomes Project 30x 0.00265; TOPMed 0.00292; ESP Exome Variant Server 0.00308.
gnomAD v4.1: 691 of 1,614,254 alleles (0.043%); highest among the groups gnomAD compares: African/African-American, 0.8%; 3 homozygotes.

Submissions (5):

Labcorp Genetics (formerly Invitae), Labcorp
Classification: Benign for Schimke immuno-osseous dysplasia. Last evaluated: 2026-01-27. Review status: criteria provided, single submitter. Criteria: Invitae Variant Classification Sherloc (09022015). Collection method: clinical testing. Allele origin: germline.

CeGaT Center for Human Genetics Tuebingen
Classification: Likely benign. Last evaluated: 2025-10-01. Review status: criteria provided, single submitter. Criteria: CeGaT Center For Human Genetics Tuebingen Variant Classification Criteria Version 2. Collection method: clinical testing. Allele origin: germline. Affected: yes. Observed: 1 variant allele.
Comment: SMARCAL1: BP4, BP7

Blueprint Genetics
Classification: Likely benign. Last evaluated: 2024-11-19. Review status: criteria provided, single submitter. Criteria: ACMG Guidelines, 2015. Collection method: clinical testing. Allele origin: germline.

Fulgent Genetics
Classification: Likely benign for Schimke immuno-osseous dysplasia. Last evaluated: 2021-08-20. Review status: criteria provided, single submitter. Criteria: ACMG Guidelines, 2015. Collection method: clinical testing. Allele origin: unknown.

PreventionGenetics, part of Exact Sciences
Classification: Benign for SMARCAL1-related condition. Last evaluated: 2021-10-21. Review status: no assertion criteria provided. Collection method: clinical testing. Allele origin: germline. Not counted in ClinVar's aggregate classification.
Comment: This variant is classified as benign based on ACMG/AMP sequence variant interpretation guidelines (Richards et al. 2015 PMID: 25741868, with internal and published modifications).

NM_014140.4(SMARCAL1):c.603G>C (p.Gly201=)

Gene: SMARCAL1 (SNF2 related chromatin remodeling annealing helicase 1; plus strand). Cytogenetic location: 2q35.
Variant type: single nucleotide variant.
Coding change: c.603G>C on transcript NM_014140.4 (MANE Select); coding-DNA position 603, G replaced by C.
Protein change: p.Gly201=; no amino-acid change (glycine 201 retained).
Molecular consequence: synonymous variant.
Genome position (GRCh38, 1-based): chr2:216,415,307, G>C. VCF-style: chr2-216415307-G-C. GRCh37 (hg19) VCF-style: chr2-217280030-G-C.
Other names: c.603G>C, p.Gly201= (NM_001127207.2).
Identifiers: ClinVar variation 260345 (VCV000260345.22), dbSNP rs35048226, ClinGen allele CA2097620.